The following is an entry in ClinVar:

ClinVar aggregate classification (germline): Likely benign (0 of 4 stars; one submission).

Conditions:
FGFR4-related disorder. Also called: FGFR4-related condition.

Allele frequency attached by ClinVar (database versions not stated): 1000 Genomes Project 30x 0.00016; 1000 Genomes Project 0.00020; ESP Exome Variant Server 0.00038; ExAC 0.00075; TOPMed 0.00022; gnomAD exomes 0.00031; gnomAD 0.00032.
gnomAD v4.1: 500 of 1,599,518 alleles (0.031%); highest among the groups gnomAD compares: Non-Finnish European, 0.035%; no homozygotes.

Submission:

PreventionGenetics, part of Exact Sciences
Classification: Likely benign for FGFR4-related condition. Last evaluated: 2021-02-15. Review status: no assertion criteria provided. Collection method: clinical testing. Allele origin: germline.
Comment: This variant is classified as likely benign based on ACMG/AMP sequence variant interpretation guidelines (Richards et al. 2015 PMID: 25741868, with internal and published modifications).

NM_213647.3(FGFR4):c.2118T>C (p.His706=)

Gene: FGFR4 (fibroblast growth factor receptor 4; plus strand). Cytogenetic location: 5q35.2.
Variant type: single nucleotide variant.
Coding change: c.2118T>C on transcript NM_213647.3 (MANE Select); coding-DNA position 2118, T replaced by C.
Protein change: p.His706=; no amino-acid change (histidine 706 retained).
Molecular consequence: synonymous variant.
Genome position (GRCh38, 1-based): chr5:177,096,706, T>C. VCF-style: chr5-177096706-T-C. GRCh37 (hg19) VCF-style: chr5-176523707-T-C.
Other names: c.1914T>C, p.His638= (NM_001291980.2); c.2118T>C, p.His706= (NM_001354984.2, NM_002011.5); c.1998T>C, p.His666= (NM_022963.3).
Identifiers: ClinVar variation 3050770 (VCV003050770.2), dbSNP rs151207425, ClinGen allele CA3576684.